The following is an entry in ClinVar:

NM_000059.4(BRCA2):c.9871del (p.Ser3291fs)

Gene: BRCA2 (BRCA2 DNA repair associated; plus strand). Cytogenetic location: 13q13.1.
Variant type: Deletion.
Coding change: c.9871del on transcript NM_000059.4 (MANE Select); coding-DNA position 9871, one base deleted (T; older notation c.9871delT).
Protein change: p.Ser3291fs; shifts the reading frame from serine 3291.
Molecular consequence: frameshift variant.
Genome position (GRCh38, 1-based): chr13:32,398,384, T deleted; the last of 3 consecutive T bases (chr13:32,398,382-32,398,384); deleting any one gives the same sequence. VCF-style (leftmost placement, unchanged base first): chr13-32398381-GT-G. GRCh37 (hg19) VCF-style: chr13-32972518-GT-G.
Other names: 10099delT stop codon 3312; c.9871delT (NM_000059.3).
Identifiers: ClinVar variation 267176 (VCV000267176.26), dbSNP rs886040854, ClinGen allele CA10589577.

ClinVar aggregate classification (germline): Pathogenic. Review status: reviewed by expert panel (3 of 4 stars). 7 submissions from 7 submitters: Pathogenic (1). 6 of the submissions do not count toward it. Last evaluated 2016-10-18.

Conditions:
Breast-ovarian cancer, familial, susceptibility to, 2 (BROVCA2). Also called: BRCA2 Hereditary Breast and Ovarian Cancer. Identifiers: Orphanet 145, MedGen C2675520, MONDO:0012933, OMIM 612555. Disease mechanism: loss of function.
Hereditary cancer-predisposing syndrome. Also called: Hereditary neoplastic syndrome; Neoplastic Syndromes, Hereditary; Tumor predisposition; Hereditary Cancer Syndrome. Identifiers: Orphanet 140162, MedGen C0027672, MeSH D009386, MONDO:0015356.
Hereditary breast ovarian cancer syndrome. Also called: BRCA1- and BRCA2-Associated Hereditary Breast and Ovarian Cancer; Hereditary breast and ovarian cancer; Breast and ovarian cancer; Hereditary breast and/or ovarian cancer syndrome; Hereditary breast and ovarian cancer syndrome; Hereditary breast and ovarian cancer syndrome (HBOC). Identifiers: Orphanet 145, MedGen C0677776, MeSH D061325, MONDO:0003582. Disease mechanism: loss of function.

Submissions (7):

Evidence-based Network for the Interpretation of Germline Mutant Alleles (ENIGMA)
Classification: Pathogenic for Breast-ovarian cancer, familial, susceptibility to, 2. Last evaluated: 2016-10-18. Review status: reviewed by expert panel. Criteria: ENIGMA BRCA1/2 Classification Criteria (2015). Collection method: curation. Allele origin: germline.
Comment: Variant allele predicted to encode a truncated non-functional protein.

Color Diagnostics, LLC DBA Color Health
Classification: Pathogenic for Hereditary cancer-predisposing syndrome. Last evaluated: 2025-09-08. Review status: criteria provided, single submitter. Criteria: ACMG Guidelines, 2015. Collection method: clinical testing. Allele origin: germline. Not counted in ClinVar's aggregate classification.
Comment: This variant deletes 1 nucleotide in exon 27 of the BRCA2 gene, creating a frameshift and premature translation stop signal. This variant is not expected to trigger nonsense-mediated decay. However, this truncation is expected to disrupt the TR2 region (a.a. 3265-3330) that mediates interaction with RAD51 protein important for homology-directed repair and related functions (PMID: 12228710, 17515903, 17515904, 25833843). C-terminal truncation, p.Tyr3308*, has been reported as disease-causing in ClinVar (variation ID: 52916, 267177) and shown to be defective in RAD51 foci formation, sensitivity to DNA damaging agents, and chromosomal aberration assays in complementation of human and mouse BRCA2-deficient cells (PMID: 18593900, 18607349, 33293522). This variant has been reported in a family affected with pancreatic cancer and breast or ovarian cancer (PMID: 30736435). This variant has not been identified in the general population by the Genome Aggregation Database (gnomAD). Loss of BRCA2 function is a known mechanism of disease. Based on the available evidence, this variant is classified as Pathogenic.

Labcorp Genetics (formerly Invitae), Labcorp
Classification: Pathogenic for Hereditary breast ovarian cancer syndrome. Last evaluated: 2023-11-17. Review status: criteria provided, single submitter. Criteria: Invitae Variant Classification Sherloc (09022015). Collection method: clinical testing. Allele origin: germline. Not counted in ClinVar's aggregate classification.
Comment: This sequence change creates a premature translational stop signal (p.Ser3291Leufs*22) in the BRCA2 gene. While this is not anticipated to result in nonsense mediated decay, it is expected to disrupt the last 128 amino acid(s) of the BRCA2 protein. This variant is not present in population databases (gnomAD no frequency). This premature translational stop signal has been observed in individual(s) with BRCA2-related conditions (PMID: 30736435). ClinVar contains an entry for this variant (Variation ID: 267176). This variant disrupts a region of the BRCA2 protein in which other variant(s) (p.Tyr3308*) have been determined to be pathogenic (PMID: 18593900, 18607349; Invitae). This suggests that this is a clinically significant region of the protein, and that variants that disrupt it are likely to be disease-causing. For these reasons, this variant has been classified as Pathogenic.

Women's Health and Genetics/Laboratory Corporation of America, LabCorp
Classification: Pathogenic for Hereditary breast ovarian cancer syndrome. Last evaluated: 2023-08-15. Review status: criteria provided, single submitter. Criteria: LabCorp Variant Classification Summary - May 2015. Collection method: clinical testing. Allele origin: germline. Not counted in ClinVar's aggregate classification.
Comment: Variant summary: BRCA2 c.9871delT (p.Ser3291LeufsX22) results in a premature termination codon and is predicted to cause a truncation of the encoded protein, which is a commonly known mechanisms for disease. Although the variant is not predicted to cause absence of the protein through nonsense mediated decay, the variant is predicted to disrupt the last 128 amino acids in the protein sequence. Variants downstream of this position have been classified as pathogenic within ClinVar. The variant was absent in 251214 control chromosomes (gnomAD). c.9871delT has been reported in the literature in individuals affected with Hereditary Breast And Ovarian Cancer Syndrome (e.g. Rebbeck_2018, Toss_2019). These data indicate that the variant may be associated with disease. To our knowledge, no experimental evidence demonstrating an impact on protein function has been reported. The following publications have been ascertained in the context of this evaluation (PMID: 29446198, 30736435). Six ClinVar submitters have assessed the variant since 2014: all submitters, including one expert panel (ENIGMA) and one consortium (CIMBA), have classified the variant as pathogenic. Based on the evidence outlined above, the variant was classified as pathogenic.

Ambry Genetics
Classification: Pathogenic for Hereditary cancer-predisposing syndrome. Last evaluated: 2019-10-15. Review status: criteria provided, single submitter. Criteria: Ambry Variant Classification Scheme 2023. Collection method: clinical testing. Allele origin: germline. Not counted in ClinVar's aggregate classification.
Comment: The c.9871delT pathogenic mutation, located in coding exon 26 of the BRCA2 gene, results from a deletion of one nucleotide at nucleotide position 9871, causing a translational frameshift with a predicted alternate stop codon (p.S3291Lfs*22). This alteration was identified in a large, worldwide study of BRCA1/2 mutation-positive families (Rebbeck TR et al. Hum. Mutat. 2018 05;39:593-620). This alteration is expected to result in loss of function by premature protein truncation. As such, this alteration is interpreted as a disease-causing mutation.

ARUP Laboratories, Molecular Genetics and Genomics, ARUP Laboratories
Classification: Pathogenic. Last evaluated: 2018-01-08. Review status: criteria provided, single submitter. Criteria: ARUP Molecular Germline Variant Investigation Process. Collection method: clinical testing. Allele origin: germline. Not counted in ClinVar's aggregate classification.
Comment: The BRCA2 c.9871delT; p.Ser3291fs variant (rs886040854), to our knowledge, has not been previously reported in the literature. However, this variant is classified as pathogenic by two review panels in ClinVar (Variation ID: 267176). It is absent from general population databases (Exome Variant Server, Genome Aggregation Database, 1000 Genomes Project), indicating it is not a common polymorphism. This variant causes a frameshift starting at codon 3291 and an early termination codon at residue 3312, which results in 21 novel amino acids and a loss of the final 128 coding amino acids of BRCA2. This region of the carboxyl terminus is important for RAD51 binding; Ser3291 specifically, serves as a molecular switch for the regulation of homologous recombination, and alterations at Ser3291 are reported to abrogate RAD51 binding (Chalermrujinanant 2016, Davies 2007, Esashi 2007, Guidugli 2014, Tram 2013). In vitro functional studies of a nearby truncation, p.Tyr3308Ter, have also demonstrated a deleterious effect on BRCA2 function including sensitivity to DNA damaging agents, homologous recombination, and RAD51-mediated DNA repair (Hucl 2008, Kuznetsov 2008, Ray Chaudhuri 2016). The p.Tyr3308Ter variant is also classified as pathogenic by multiple laboratories in ClinVar (Variation IDs: 267177, 52916). It is well established that the downstream nonsense variant p.Lys3326Ter (Variation ID: 38266) is benign and this has caused difficulties in reaching consensus on the clinical significance of other nonsense and frameshift variants towards the end of this final exon. However, nonsense and frameshift variants occurring in the RAD51 binding domain or further upstream are by consensus considered deleterious with the exception of one (c.9699_9702del, Variation ID: 38260), which may have more variable penetrance (Rosenthal 2015). Although the pathogenicity of truncating variants in the last coding exon of BRCA2 is variable, the published data indicates that amino acid residues p.3260_p.3305 contribute a unique role to RAD51 binding and, thus, are important for proper BRCA2 function. Based on the functional data regarding Ser3291, the p.Ser3291fs variant is considered pathogenic, although it is not possible to predict its penetrance. REFERENCES Chalermrujinanant C et al. Cyclin D1 promotes BRCA2-Rad51 interaction by restricting cyclin A/B-dependent BRCA2 phosphorylation. Oncogene. 2016 Jun 2;35(22):2815-23. Davies OR et al. Interaction with the BRCA2 C terminus protects RAD51-DNA filaments from disassembly by BRC repeats. Nat Struct Mol Biol. 2007 Jun;14(6):475-83. Esashi F et al. Stabilization of RAD51 nucleoprotein filaments by the C-terminal region of BRCA2. Nat Struct Mol Biol. 2007 Jun;14(6):468-74. Guidugli L et al. Functional assays for analysis of variants of uncertain significance in BRCA2. Hum Mutat. 2014 Feb;35(2):151-64. Hucl T et al. A syngeneic variance library for functional annotation of human variation: application to BRCA2. Cancer Res. 2008 Jul 1;68(13):5023-30. Kuznetsov SG et al. Mouse embryonic stem cell-based functional assay to evaluate mutations in BRCA2. Nat Med. 2008 Aug;14(8):875-81. Ray Chaudhuri A et al. Replication fork stability confers chemoresistance in BRCA-deficient cells. Nature. 2016 Jul 21;535(7612):382-7. Rosenthal ET et al. Exceptions to the rule: case studies in the prediction of pathogenicity for genetic variants in hereditary cancer genes. Clin Genet. 2015 Dec;88(6):533-41. Tram E et al. Missense variants of uncertain significance (VUS) altering the phosphorylation patterns of BRCA1 and BRCA2. PLoS One. 2013 May 21;8(5):e62468.

Consortium of Investigators of Modifiers of BRCA1/2 (CIMBA), c/o University of Cambridge
Classification: Pathogenic for Breast-ovarian cancer, familial, susceptibility to, 2. Last evaluated: 2015-10-02. Review status: criteria provided, single submitter. Criteria: CIMBA Mutation Classification guidelines May 2016. Collection method: clinical testing. Allele origin: germline. Not counted in ClinVar's aggregate classification.

Literature cited by the submitters: PubMed 12228710 (cited by Color Diagnostics, LLC DBA Color Health); PubMed 17515903 (cited by Color Diagnostics, LLC DBA Color Health); PubMed 17515904 (cited by Color Diagnostics, LLC DBA Color Health); PubMed 18593900 (cited by Color Diagnostics, LLC DBA Color Health and Labcorp Genetics (formerly Invitae), Labcorp); PubMed 18607349 (cited by Color Diagnostics, LLC DBA Color Health and Labcorp Genetics (formerly Invitae), Labcorp); PubMed 25833843 (cited by Color Diagnostics, LLC DBA Color Health); PubMed 30736435 (cited by 3 submitters); PubMed 33293522 (cited by Color Diagnostics, LLC DBA Color Health); PubMed 29446198 (cited by Women's Health and Genetics/Laboratory Corporation of America, LabCorp and Ambry Genetics).